The following is an entry in ClinVar:

NM_032638.5(GATA2):c.1231G>C (p.Ala411Pro)

Gene: GATA2 (GATA binding protein 2; minus strand). Cytogenetic location: 3q21.3.
Variant type: single nucleotide variant.
Coding change: c.1231G>C on transcript NM_032638.5 (MANE Select); coding-DNA position 1231, G replaced by C.
Protein change: p.Ala411Pro; replaces alanine 411 with proline.
Molecular consequence: missense variant.
Genome position (GRCh38, 1-based): chr3:128,481,231, C>G on the plus strand (G>C on the coding strand, the complement: GATA2 is on the minus strand). VCF-style: chr3-128481231-C-G. GRCh37 (hg19) VCF-style: chr3-128200074-C-G.
Other names: c.1231G>C, p.Ala411Pro (NM_001145661.2); c.1189G>C, p.Ala397Pro (NM_001145662.1); short protein forms A411P, A397P.
Identifiers: ClinVar variation 2936134 (VCV002936134.4), dbSNP rs2068624116, ClinGen allele CA354413056.

ClinVar aggregate classification (germline): Uncertain significance. Review status: criteria provided, multiple submitters, no conflicts (2 of 4 stars). 2 submissions from 2 submitters: Uncertain significance (2). Last evaluated 2025-01-31.

Conditions:
Inborn genetic diseases. Identifiers: MedGen C0950123, MeSH D030342.
Monocytopenia with susceptibility to infections. Also called: MONOCYTOPENIA AND MYCOBACTERIAL INFECTION SYNDROME; MONOCYTOPENIA WITH SUSCEPTIBILITY TO MYCOBACTERIAL, FUNGAL, AND PAPILLOMAVIRUS INFECTIONS AND MYELODYSPLASIA; COMBINED IMMUNODEFICIENCY WITH SUSCEPTIBILITY TO MYCOBACTERIAL, VIRAL, AND FUNGAL INFECTIONS; Dendritic cell, monocyte, B lymphocyte, and natural killer lymphocyte deficiency; IMMUNODEFICIENCY 21; GATA2 DEFICIENCY. Identifiers: Orphanet 228423, MedGen C3280030, MONDO:0013607, OMIM 614172.
Deafness-lymphedema-leukemia syndrome. Also called: Lymphedema, primary, with myelodysplasia; Emberger syndrome. Identifiers: Orphanet 3226, MedGen C3279664, MONDO:0013540, OMIM 614038.

Allele frequency attached by ClinVar (database versions not stated): TOPMed below 0.00001.
gnomAD v4.1: 1 of 1,614,226 alleles (0.000062%); highest among the groups gnomAD compares: African/African-American, 0.0013%; no homozygotes.

Submissions (2):

Ambry Genetics
Classification: Uncertain significance for Inborn genetic diseases. Last evaluated: 2025-01-31. Review status: criteria provided, single submitter. Criteria: Ambry Variant Classification Scheme 2023. Collection method: clinical testing. Allele origin: germline.
Comment: The p.A411P variant (also known as c.1231G>C), located in coding exon 5 of the GATA2 gene, results from a G to C substitution at nucleotide position 1231. The alanine at codon 411 is replaced by proline, an amino acid with highly similar properties. This amino acid position is conserved. In addition, this alteration is predicted to be tolerated by in silico analysis. Based on the available evidence, the clinical significance of this variant remains unclear.

Labcorp Genetics (formerly Invitae), Labcorp
Classification: Uncertain significance for Monocytopenia with susceptibility to infections; Deafness-lymphedema-leukemia syndrome. Last evaluated: 2023-09-26. Review status: criteria provided, single submitter. Criteria: Invitae Variant Classification Sherloc (09022015). Collection method: clinical testing. Allele origin: germline.
Comment: This sequence change replaces alanine, which is neutral and non-polar, with proline, which is neutral and non-polar, at codon 411 of the GATA2 protein (p.Ala411Pro). This variant is not present in population databases (gnomAD no frequency). This variant has not been reported in the literature in individuals affected with GATA2-related conditions. Advanced modeling of protein sequence and biophysical properties (such as structural, functional, and spatial information, amino acid conservation, physicochemical variation, residue mobility, and thermodynamic stability) performed at Invitae indicates that this missense variant is not expected to disrupt GATA2 protein function. In summary, the available evidence is currently insufficient to determine the role of this variant in disease. Therefore, it has been classified as a Variant of Uncertain Significance.